The following is an entry in ClinVar:

ClinVar aggregate classification (germline): Benign (1 of 4 stars; one submission).

Conditions:
Familial cancer of breast. Also called: hereditary breast carcinoma; BREAST CANCER, FAMILIAL; Hereditary breast cancer. Identifiers: Orphanet 227535, MedGen C0346153, MONDO:0016419, OMIM 114480. Disease mechanism: loss of function.

Submission:

Myriad Genetics, Inc.
Classification: Benign for Familial cancer of breast. Last evaluated: 2024-06-21. Review status: criteria provided, single submitter. Criteria: Myriad Autosomal Dominant, Autosomal Recessive and X-Linked Classification Criteria (2023). Collection method: clinical testing. Allele origin: unknown.
Comment: This variant is considered benign. This variant is a silent/synonymous amino acid change and it is not expected to impact splicing.

NM_000051.4(ATM):c.8835G>A (p.Leu2945=)

Genes: ATM (ATM serine/threonine kinase; plus strand), C11orf65 (chromosome 11 open reading frame 65; minus strand). Cytogenetic location: 11q22.3.
Variant type: single nucleotide variant.
Coding change: c.8835G>A on transcript NM_000051.4 (MANE Select); coding-DNA position 8835, G replaced by A.
Protein change: p.Leu2945=; no amino-acid change (leucine 2945 retained).
Molecular consequence: synonymous variant. On other transcripts: intron variant (2).
Genome position (GRCh38, 1-based): chr11:108,354,859, G>A. VCF-style: chr11-108354859-G-A. GRCh37 (hg19) VCF-style: chr11-108225586-G-A.
Other names: c.8835G>A, p.Leu2945= (NM_001351834.2); c.640+31061C>T (NM_001330368.2); c.695-19567C>T (NM_001351110.2).
Identifiers: ClinVar variation 3254418 (VCV003254418.1), dbSNP rs2547536849.